The following is an entry in ClinVar:

ClinVar aggregate classification (germline): Uncertain significance. Review status: criteria provided, multiple submitters, no conflicts (2 of 4 stars). 2 submissions from 2 submitters: Uncertain significance (2). Last evaluated 2025-09-24.

Conditions:
Inborn genetic diseases. Identifiers: MedGen C0950123, MeSH D030342.
Baller-Gerold syndrome (BGS). Also called: CRANIOSYNOSTOSIS WITH RADIAL DEFECTS. Identifiers: Orphanet 1225, MedGen C0265308, MONDO:0009039, OMIM 218600.

Allele frequency attached by ClinVar (database versions not stated): TOPMed below 0.00001; gnomAD 0.00001.
gnomAD v4.1: 1 of 1,566,098 alleles (0.000064%); highest among the groups gnomAD compares: Non-Finnish European, 0.000086%; no homozygotes.

Submissions (2):

Labcorp Genetics (formerly Invitae), Labcorp
Classification: Uncertain significance for Baller-Gerold syndrome. Last evaluated: 2025-09-24. Review status: criteria provided, single submitter. Criteria: Invitae Variant Classification Sherloc (09022015). Collection method: clinical testing. Allele origin: germline.
Comment: This sequence change replaces glutamine, which is neutral and polar, with arginine, which is basic and polar, at codon 485 of the RECQL4 protein (p.Gln485Arg). This variant is not present in population databases (gnomAD no frequency). This variant has not been reported in the literature in individuals affected with RECQL4-related conditions. ClinVar contains an entry for this variant (Variation ID: 2164112). Invitae Evidence Modeling of protein sequence and biophysical properties (such as structural, functional, and spatial information, amino acid conservation, physicochemical variation, residue mobility, and thermodynamic stability) indicates that this missense variant is expected to disrupt RECQL4 protein function with a positive predictive value of 80%. In summary, the available evidence is currently insufficient to determine the role of this variant in disease. Therefore, it has been classified as a Variant of Uncertain Significance.

Ambry Genetics
Classification: Uncertain significance for Inborn genetic diseases. Last evaluated: 2025-05-04. Review status: criteria provided, single submitter. Criteria: Ambry Variant Classification Scheme 2023. Collection method: clinical testing. Allele origin: germline.
Comment: The p.Q485R variant (also known as c.1454A>G), located in coding exon 8 of the RECQL4 gene, results from an A to G substitution at nucleotide position 1454. The glutamine at codon 485 is replaced by arginine, an amino acid with highly similar properties. This amino acid position is conserved. In addition, this alteration is predicted to be deleterious by in silico analysis. Based on the available evidence, the clinical significance of this variant remains unclear.

NM_004260.4(RECQL4):c.1454A>G (p.Gln485Arg)

Gene: RECQL4 (RecQ like helicase 4; minus strand). Cytogenetic location: 8q24.3.
Variant type: single nucleotide variant.
Coding change: c.1454A>G on transcript NM_004260.4 (MANE Select); coding-DNA position 1454, A replaced by G.
Protein change: p.Gln485Arg; replaces glutamine 485 with arginine.
Molecular consequence: missense variant.
Genome position (GRCh38, 1-based): chr8:144,515,179, T>C on the plus strand (A>G on the coding strand, the complement: RECQL4 is on the minus strand). VCF-style: chr8-144515179-T-C. GRCh37 (hg19) VCF-style: chr8-145740563-T-C.
Other names: c.1454A>G (NM_004260.3); c.1358A>G, p.Gln453Arg (NM_001413017.1, NM_001413020.1); c.1454A>G, p.Gln485Arg (NM_001413018.1, NM_001413019.1, NM_001413033.1 and 2 more transcripts); c.383A>G, p.Gln128Arg (NM_001413021.1, NM_001413022.1, NM_001413023.1 and 8 more transcripts); c.1325A>G, p.Gln442Arg (NM_001413025.1); c.317A>G, p.Gln106Arg (NM_001413027.1, NM_001413030.1, NM_001413031.1 and 2 more transcripts); c.1103A>G, p.Gln368Arg (NM_001413029.1); c.-14A>G (NM_001413043.1); short protein forms Q106R, Q128R, Q485R, Q368R, Q442R, Q453R.
Identifiers: ClinVar variation 2164112 (VCV002164112.5), dbSNP rs1305890977, ClinGen allele CA372684699.